The following is an entry in ClinVar:

ClinVar aggregate classification (germline): Likely pathogenic (1 of 4 stars; one submission).

Conditions:
Fanconi anemia (FA). Also called: Fanconi's anemia. Identifiers: Orphanet 84, MedGen C0015625, MeSH D005199, MONDO:0019391.

Allele frequency attached by ClinVar (database versions not stated): gnomAD exomes below 0.00001.
gnomAD v4.1: 1 of 1,613,256 alleles (0.000062%); highest among the groups gnomAD compares: Non-Finnish European, 0.000085%; no homozygotes.

Submission:

Labcorp Genetics (formerly Invitae), Labcorp
Classification: Likely pathogenic for Fanconi anemia. Last evaluated: 2023-10-24. Review status: criteria provided, single submitter. Criteria: Invitae Variant Classification Sherloc (09022015). Collection method: clinical testing. Allele origin: germline.
Comment: This sequence change affects an acceptor splice site in intron 24 of the FANCI gene. It is expected to disrupt RNA splicing. Variants that disrupt the donor or acceptor splice site typically lead to a loss of protein function (PMID: 16199547), and loss-of-function variants in FANCI are known to be pathogenic (PMID: 17452773, 17460694). This variant is present in population databases (no rsID available, gnomAD 0.0009%). This variant has not been reported in the literature in individuals affected with FANCI-related conditions. Algorithms developed to predict the effect of sequence changes on RNA splicing suggest that this variant may disrupt the consensus splice site. In summary, the currently available evidence indicates that the variant is pathogenic, but additional data are needed to prove that conclusively. Therefore, this variant has been classified as Likely Pathogenic.

Literature cited by the submitters: PubMed 16199547; PubMed 17452773; PubMed 17460694.

NM_001113378.2(FANCI):c.2637-1G>C

Gene: FANCI (FA complementation group I; plus strand). Cytogenetic location: 15q26.1.
Variant type: single nucleotide variant.
Coding change: c.2637-1G>C on transcript NM_001113378.2 (MANE Select); the canonical splice acceptor site of the intron before coding-DNA position 2637, G replaced by C.
Molecular consequence: splice acceptor variant.
Genome position (GRCh38, 1-based): chr15:89,299,799, G>C. VCF-style: chr15-89299799-G-C. GRCh37 (hg19) VCF-style: chr15-89843030-G-C.
Other names: c.2457-1G>C (NM_018193.3); c.2637-1G>C (NM_001376911.1); c.2358-1G>C (NM_001376910.1).
Identifiers: ClinVar variation 2995909 (VCV002995909.3), dbSNP rs1198815779, ClinGen allele CA393736453.